The following is an entry in ClinVar:

NM_003803.4(MYOM1):c.3047T>C (p.Met1016Thr)

Gene: MYOM1 (myomesin 1; minus strand). Cytogenetic location: 18p11.31.
Variant type: single nucleotide variant.
Coding change: c.3047T>C on transcript NM_003803.4 (MANE Select); coding-DNA position 3047, T replaced by C.
Protein change: p.Met1016Thr; replaces methionine 1016 with threonine.
Molecular consequence: missense variant.
Genome position (GRCh38, 1-based): chr18:3,119,940, A>G on the plus strand (T>C on the coding strand, the complement: MYOM1 is on the minus strand). VCF-style: chr18-3119940-A-G. GRCh37 (hg19) VCF-style: chr18-3119938-A-G.
Other names: c.2759T>C, p.Met920Thr (NM_019856.2); short protein forms M920T, M1016T.
Identifiers: ClinVar variation 2496768 (VCV002496768.2), dbSNP rs376734063, ClinGen allele CA8874443.

ClinVar aggregate classification (germline): Uncertain significance (1 of 4 stars; one submission).

Allele frequency attached by ClinVar (database versions not stated): ExAC 0.00001; gnomAD 0.00001; gnomAD exomes 0.00001; TOPMed 0.00001; ESP Exome Variant Server 0.00008.

Submission:

Ambry Genetics
Classification: Uncertain significance. Last evaluated: 2022-12-01. Review status: criteria provided, single submitter. Criteria: Ambry Variant Classification Scheme 2023. Collection method: clinical testing. Allele origin: germline.
Comment: The p.M1016T variant (also known as c.3047T>C), located in coding exon 19 of the MYOM1 gene, results from a T to C substitution at nucleotide position 3047. The methionine at codon 1016 is replaced by threonine, an amino acid with similar properties. This amino acid position is conserved. In addition, this alteration is predicted to be tolerated by in silico analysis. Since supporting evidence is limited at this time, the clinical significance of this alteration remains unclear.